The following is an entry in ClinVar:

NM_000393.5(COL5A2):c.3689C>G (p.Thr1230Arg)

Gene: COL5A2 (collagen type V alpha 2 chain; minus strand). Cytogenetic location: 2q32.2.
Variant type: single nucleotide variant.
Coding change: c.3689C>G on transcript NM_000393.5 (MANE Select); coding-DNA position 3689, C replaced by G.
Protein change: p.Thr1230Arg; replaces threonine 1230 with arginine.
Molecular consequence: missense variant.
Genome position (GRCh38, 1-based): chr2:189,039,508, G>C on the plus strand (C>G on the coding strand, the complement: COL5A2 is on the minus strand). VCF-style: chr2-189039508-G-C. GRCh37 (hg19) VCF-style: chr2-189904234-G-C.
Other names: p.T1230R:ACA>AGA; c.3689C>G (NM_000393.4); short protein forms T1230R.
Identifiers: ClinVar variation 136952 (VCV000136952.75), dbSNP rs62184175, ClinGen allele CA290391.

ClinVar aggregate classification (germline): Benign/Likely benign. Review status: criteria provided, multiple submitters, no conflicts (2 of 4 stars). 15 submissions from 15 submitters: Benign (9); Likely benign (6). Last evaluated 2026-09-01.

Conditions:
Ehlers-Danlos syndrome, classic type, 1 (EDSCL1). Also called: EHLERS-DANLOS SYNDROME, GRAVIS TYPE; EHLERS-DANLOS SYNDROME, SEVERE CLASSIC TYPE; EDS I; Ehlers-Danlos syndrome, type 1; Ehlers-Danlos Syndrome, Classic Type, COL5A1-Related. Identifiers: MedGen C0268335, MONDO:0019567, OMIM 130000.
Ehlers-Danlos syndrome, classic type, 2 (EDSCL2). Also called: Ehlers-Danlos syndrome, type 2; Ehlers-Danlos syndrome type 2 (formerly); Ehlers-Danlos Syndrome, Classic Type, COL5A2-Related. Identifiers: Orphanet 287, Orphanet 90318, MedGen C0268336, MONDO:0019568, OMIM 130010.
Ehlers-Danlos syndrome (EDS). Identifiers: Orphanet 98249, MedGen C0013720, MONDO:0020066.
Ehlers-Danlos syndrome, classic type (cEDS). Identifiers: Orphanet 287, MedGen C4225429, MONDO:0007522.
Familial thoracic aortic aneurysm and aortic dissection (TAAD). Also called: Thoracic aortic aneurysms and dissections. Identifiers: Orphanet 91387, MedGen C4707243, MONDO:0019625.

Allele frequency attached by ClinVar (database versions not stated): 1000 Genomes Project 0.00300; 1000 Genomes Project 30x 0.00312; gnomAD 0.00525; ESP Exome Variant Server 0.00538; TOPMed 0.00550.
gnomAD v4.1: 12,199 of 1,614,060 alleles (0.76%); highest among the groups gnomAD compares: Non-Finnish European, 0.94%; 64 homozygotes.

Submissions (15):

CeGaT Center for Human Genetics Tuebingen
Classification: Likely benign. Last evaluated: 2026-09-01. Review status: criteria provided, single submitter. Criteria: CeGaT Center For Human Genetics Tuebingen Variant Classification Criteria Version 2. Collection method: clinical testing. Allele origin: germline. Affected: yes. Observed: 36 variant alleles.
Comment: COL5A2: PP2, BS2

Labcorp Genetics (formerly Invitae), Labcorp
Classification: Benign for Ehlers-Danlos syndrome, classic type, 1. Last evaluated: 2026-02-04. Review status: criteria provided, single submitter. Criteria: Invitae Variant Classification Sherloc (09022015). Collection method: clinical testing. Allele origin: germline.

ARUP Laboratories, Molecular Genetics and Genomics, ARUP Laboratories
Classification: Benign for Ehlers-Danlos syndrome, classic type, 2. Last evaluated: 2025-07-08. Review status: criteria provided, single submitter. Criteria: ARUP Molecular Germline Variant Investigation Process 2024. Collection method: clinical testing. Allele origin: germline.

Molecular Diagnostic Laboratory for Inherited Cardiovascular Disease, Montreal Heart Institute
Classification: Likely benign. Last evaluated: 2025-04-09. Review status: criteria provided, single submitter. Criteria: ACMG Guidelines, 2015. Collection method: clinical testing. Allele origin: germline. Affected: no.
Comment: BS1

Mayo Clinic Laboratories, Mayo Clinic
Classification: Benign. Last evaluated: 2024-12-05. Review status: criteria provided, single submitter. Criteria: ACMG Guidelines, 2015. Collection method: clinical testing. Allele origin: germline. Observed: 100 variant alleles.
Comment: BS1, BS2

Blueprint Genetics
Classification: Likely benign. Last evaluated: 2024-11-26. Review status: criteria provided, single submitter. Criteria: ACMG Guidelines, 2015. Collection method: clinical testing. Allele origin: germline.

Women's Health and Genetics/Laboratory Corporation of America, LabCorp
Classification: Likely benign. Last evaluated: 2023-07-21. Review status: criteria provided, single submitter. Criteria: LabCorp Variant Classification Summary - May 2015. Collection method: clinical testing. Allele origin: germline.

Genome Diagnostics Laboratory, The Hospital for Sick Children
Classification: Benign for Ehlers-Danlos syndrome. Last evaluated: 2022-05-12. Review status: criteria provided, single submitter. Criteria: ACMG Guidelines, 2015. Collection method: clinical testing. Allele origin: germline.

Illumina Laboratory Services, Illumina
Classification: Benign for Ehlers-Danlos syndrome, classic type, 2. Last evaluated: 2018-01-13. Review status: criteria provided, single submitter. Criteria: ICSL Variant Classification Criteria 13 December 2019. Collection method: clinical testing. Allele origin: germline.
Comment: This variant was observed in the ICSL laboratory as part of a predisposition screen in an ostensibly healthy population. It had not been previously curated by ICSL or reported in the Human Gene Mutation Database (HGMD: prior to June 1st, 2018), and was therefore a candidate for classification through an automated scoring system. Utilizing variant allele frequency, disease prevalence and penetrance estimates, and inheritance mode, an automated score was calculated to assess if this variant is too frequent to cause the disease. Based on the score and internal cut-off values, a variant classified as benign is not then subjected to further curation. The score for this variant resulted in a classification of benign for this disease.

Eurofins Ntd Llc (ga)
Classification: Benign. Last evaluated: 2017-06-20. Review status: criteria provided, single submitter. Criteria: EGL Classification Definitions 2015. Collection method: clinical testing. Allele origin: germline. Observed: 1 variant allele, 1 heterozygote.

Center for Human Genetics, Inc
Classification: Likely benign for Ehlers-Danlos syndrome, classic type, 1. Last evaluated: 2016-11-01. Review status: criteria provided, single submitter. Criteria: ACMG Guidelines, 2015. Collection method: clinical testing. Allele origin: germline. Affected: yes.

Ambry Genetics
Classification: Benign for Familial thoracic aortic aneurysm and aortic dissection. Last evaluated: 2015-04-27. Review status: criteria provided, single submitter. Criteria: Ambry Variant Classification Scheme 2023. Collection method: clinical testing. Allele origin: germline.

GeneDx
Classification: Benign. Last evaluated: 2013-01-23. Review status: criteria provided, single submitter. Criteria: GeneDx Variant Classification (06012015). Collection method: clinical testing. Allele origin: germline. Affected: yes.
Comment: This variant is considered likely benign or benign based on one or more of the following criteria: it is a conservative change, it occurs at a poorly conserved position in the protein, it is predicted to be benign by multiple in silico algorithms, and/or has population frequency not consistent with disease.

Breakthrough Genomics
Classification: Likely benign. Review status: criteria provided, single submitter. Criteria: ACMG Guidelines, 2015. Collection method: not provided. Allele origin: germline. Inheritance: Autosomal dominant inheritance. Affected: yes.

PreventionGenetics, part of Exact Sciences
Classification: Benign. Review status: criteria provided, single submitter. Criteria: ACMG Guidelines, 2015. Collection method: clinical testing. Allele origin: germline.

Literature cited by the submitters: PubMed 11940702 (cited by Mayo Clinic Laboratories, Mayo Clinic); PubMed 33161638 (cited by Mayo Clinic Laboratories, Mayo Clinic).